The following is an entry in ClinVar:

NM_005901.6(SMAD2):c.1360_1364del (p.Thr454fs)

Gene: SMAD2 (SMAD family member 2; minus strand). Cytogenetic location: 18q21.1.
Variant type: Deletion.
Coding change: c.1360_1364del on transcript NM_005901.6 (MANE Select); coding-DNA positions 1360 to 1364, 5 bases deleted (ACTCA; older notation c.1360_1364delACTCA).
Protein change: p.Thr454fs; shifts the reading frame from threonine 454.
Molecular consequence: frameshift variant.
Genome position (GRCh38, 1-based): chr18:47,841,867-47,841,871, TGAGT deleted on the plus strand (ACTCA on the coding strand, the reverse complement: SMAD2 is on the minus strand); deleting any 5 consecutive bases within chr18:47,841,867-47,841,872 gives the same sequence; the c. name uses the placement nearest the transcript's 3' end. VCF-style (leftmost placement, unchanged base first): chr18-47841866-CTGAGT-C. GRCh37 (hg19) VCF-style: chr18-45368237-CTGAGT-C.
Other names: c.1360_1364del, p.Thr454fs (NM_001003652.4); c.1270_1274del, p.Thr424fs (NM_001135937.3); short protein forms T454fs, T424fs.
Identifiers: ClinVar variation 1468079 (VCV001468079.6), dbSNP rs2144276349, ClinGen allele CA2573155367.

ClinVar aggregate classification (germline): Uncertain significance (1 of 4 stars; one submission).

Submission:

Labcorp Genetics (formerly Invitae), Labcorp
Classification: Uncertain significance. Last evaluated: 2022-08-15. Review status: criteria provided, single submitter. Criteria: Invitae Variant Classification Sherloc (09022015). Collection method: clinical testing. Allele origin: germline.
Comment: This variant is not present in population databases (gnomAD no frequency). This sequence change results in a frameshift in the SMAD2 gene (p.Thr454Aspfs*32). While this is not anticipated to result in nonsense mediated decay, it is expected to disrupt the last 14 amino acid(s) of the SMAD2 protein and extend the protein by 17 additional amino acid residues. This variant has not been reported in the literature in individuals affected with SMAD2-related conditions. In summary, the available evidence is currently insufficient to determine the role of this variant in disease. Therefore, it has been classified as a Variant of Uncertain Significance. ClinVar contains an entry for this variant (Variation ID: 1468079).